The following is an entry in ClinVar:

ClinVar aggregate classification (germline): Pathogenic (1 of 4 stars; one submission).

Conditions:
Werner syndrome (WRN). Identifiers: Orphanet 902, MedGen C0043119, MONDO:0010196, OMIM 277700.

Submission:

Labcorp Genetics (formerly Invitae), Labcorp
Classification: Pathogenic for Werner syndrome. Last evaluated: 2021-04-21. Review status: criteria provided, single submitter. Criteria: Invitae Variant Classification Sherloc (09022015). Collection method: clinical testing. Allele origin: germline.
Comment: For these reasons, this variant has been classified as Pathogenic. This variant has not been reported in the literature in individuals with WRN-related conditions. This variant is a gross deletion of the genomic region encompassing exon(s) 18 of the WRN gene. This deletion is out-of-frame, and is expected to create a premature translational stop signal and result in an absent or disrupted protein product. Loss-of-function variants in WRN are known to be pathogenic (PMID: 16673358).

Literature cited by the submitters: PubMed 16673358.

NC_000008.10:g.(?_30958355)_(30958481_?)del

Gene: WRN (WRN RecQ like helicase; plus strand). Cytogenetic location: 8p12.
Variant type: Deletion.
Identifiers: ClinVar variation 1455124 (VCV001455124.6).